The following is an entry in ClinVar:

ClinVar aggregate classification (germline): Uncertain significance (1 of 4 stars; one submission).

Conditions:
Polyhydramnios, megalencephaly, and symptomatic epilepsy (PMSE). Also called: PMSE SYNDROME. Identifiers: Orphanet 500533, MedGen C1970203, MONDO:0012611, OMIM 611087.

Submission:

Labcorp Genetics (formerly Invitae), Labcorp
Classification: Uncertain significance for Polyhydramnios, megalencephaly, and symptomatic epilepsy. Last evaluated: 2024-08-30. Review status: criteria provided, single submitter. Criteria: Invitae Variant Classification Sherloc (09022015). Collection method: clinical testing. Allele origin: germline.
Comment: This sequence change replaces serine, which is neutral and polar, with arginine, which is basic and polar, at codon 326 of the STRADA protein (p.Ser326Arg). This variant is not present in population databases (gnomAD no frequency). This variant has not been reported in the literature in individuals affected with STRADA-related conditions. An algorithm developed to predict the effect of missense changes on protein structure and function (PolyPhen-2) suggests that this variant is likely to be disruptive. In summary, the available evidence is currently insufficient to determine the role of this variant in disease. Therefore, it has been classified as a Variant of Uncertain Significance.

NM_001003787.4(STRADA):c.978C>A (p.Ser326Arg)

Gene: STRADA (STE20 related adaptor alpha; minus strand). Cytogenetic location: 17q23.3.
Variant type: single nucleotide variant.
Coding change: c.978C>A on transcript NM_001003787.4 (MANE Select); coding-DNA position 978, C replaced by A.
Protein change: p.Ser326Arg; replaces serine 326 with arginine.
Molecular consequence: missense variant. On other transcripts: 3 prime UTR variant (3), non-coding transcript variant (1).
Genome position (GRCh38, 1-based): chr17:63,704,463, G>T on the plus strand (C>A on the coding strand, the complement: STRADA is on the minus strand). VCF-style: chr17-63704463-G-T. GRCh37 (hg19) VCF-style: chr17-61781823-G-T.
Other names: c.867C>A, p.Ser289Arg (NM_001003786.3, NM_001363789.1, NM_153335.6); c.804C>A, p.Ser268Arg (NM_001003788.3, NM_001363790.1, NM_001363791.1); c.891C>A, p.Ser297Arg (NM_001165969.2, NM_001363787.1); c.846C>A, p.Ser282Arg (NM_001165970.2); c.954C>A, p.Ser318Arg (NM_001363786.1); c.978C>A, p.Ser326Arg (NM_001363788.1); c.*416C>A (NM_001411083.1, NM_001411084.1); c.*427C>A (NM_001411085.1); short protein forms S282R, S289R, S268R, S297R, S318R, S326R.
Identifiers: ClinVar variation 2818626 (VCV002818626.3), dbSNP rs1265173859, ClinGen allele CA400587769.